The following is an entry in ClinVar:

ClinVar aggregate classification (germline): Uncertain significance. Review status: criteria provided, multiple submitters, no conflicts (2 of 4 stars). 2 submissions from 2 submitters: Uncertain significance (2). Last evaluated 2024-10-04.

Conditions:
Charcot-Marie-Tooth disease type 2. Also called: Charcot-Marie-Tooth type 2. Identifiers: Orphanet 64746, MedGen C0270914, MONDO:0018993.

Allele frequency attached by ClinVar (database versions not stated): gnomAD exomes 0.00001 and below 0.00001; gnomAD 0.00005; ExAC 0.00001; TOPMed 0.00006.
gnomAD v4.1: 16 of 1,613,548 alleles (0.00099%); highest among the groups gnomAD compares: African/African-American, 0.017%; no homozygotes.

Submissions (2):

Labcorp Genetics (formerly Invitae), Labcorp
Classification: Uncertain significance for Charcot-Marie-Tooth disease type 2. Last evaluated: 2024-10-04. Review status: criteria provided, single submitter. Criteria: Invitae Variant Classification Sherloc (09022015). Collection method: clinical testing. Allele origin: germline.
Comment: This sequence change replaces serine, which is neutral and polar, with proline, which is neutral and non-polar, at codon 318 of the BSCL2 protein (p.Ser318Pro). This variant is present in population databases (rs757846034, gnomAD 0.01%). This missense change has been observed in individual(s) with hereditary spastic paraplegia (internal data). ClinVar contains an entry for this variant (Variation ID: 1413285). Invitae Evidence Modeling of protein sequence and biophysical properties (such as structural, functional, and spatial information, amino acid conservation, physicochemical variation, residue mobility, and thermodynamic stability) indicates that this missense variant is not expected to disrupt BSCL2 protein function with a negative predictive value of 80%. In summary, the available evidence is currently insufficient to determine the role of this variant in disease. Therefore, it has been classified as a Variant of Uncertain Significance.

GeneDx
Classification: Uncertain significance. Last evaluated: 2024-05-16. Review status: criteria provided, single submitter. Criteria: GeneDx Variant Classification Process June 2021. Collection method: clinical testing. Allele origin: germline. Affected: yes.
Comment: In silico analysis indicates that this missense variant does not alter protein structure/function; Has not been previously published as pathogenic or benign to our knowledge

NM_001122955.4(BSCL2):c.1144T>C (p.Ser382Pro)

Genes: BSCL2 (BSCL2 lipid droplet biogenesis associated, seipin; minus strand), HNRNPUL2-BSCL2 (HNRNPUL2-BSCL2 readthrough (NMD candidate); minus strand). Cytogenetic location: 11q12.3.
Variant type: single nucleotide variant.
Coding change: c.1144T>C on transcript NM_001122955.4 (MANE Select); coding-DNA position 1144, T replaced by C.
Protein change: p.Ser382Pro; replaces serine 382 with proline.
Molecular consequence: missense variant. On other transcripts: non-coding transcript variant (1), synonymous variant (1).
Genome position (GRCh38, 1-based): chr11:62,690,796, A>G on the plus strand (T>C on the coding strand, the complement: BSCL2 is on the minus strand). VCF-style: chr11-62690796-A-G. GRCh37 (hg19) VCF-style: chr11-62458268-A-G.
Other names: c.810T>C, p.Pro270= (NM_001130702.2); c.1150T>C, p.Ser384Pro (NM_001386027.1); c.1144T>C, p.Ser382Pro (NM_001386028.1); c.952T>C, p.Ser318Pro (NM_032667.6); short protein forms S382P, S384P, S318P.
Identifiers: ClinVar variation 1413285 (VCV001413285.9), dbSNP rs757846034, ClinGen allele CA6053320.